The following is an entry in ClinVar:

NM_001330260.2(SCN8A):c.202A>G (p.Ile68Val)

Genes: SCN8A (sodium voltage-gated channel alpha subunit 8; plus strand), LOC114803470 (SCN8A eExon liver enhancer; plus strand). Cytogenetic location: 12q13.13.
Variant type: single nucleotide variant.
Coding change: c.202A>G on transcript NM_001330260.2 (MANE Select); coding-DNA position 202, A replaced by G.
Protein change: p.Ile68Val; replaces isoleucine 68 with valine.
Molecular consequence: missense variant.
Genome position (GRCh38, 1-based): chr12:51,663,019, A>G. VCF-style: chr12-51663019-A-G. GRCh37 (hg19) VCF-style: chr12-52056803-A-G.
Other names: c.202A>G, p.Ile68Val (NM_001177984.3, NM_001369788.1, NM_014191.4); short protein forms I68V.
Identifiers: ClinVar variation 212135 (VCV000212135.13), dbSNP rs797045945, ClinGen allele CA205121.

ClinVar aggregate classification (germline): Conflicting classifications of pathogenicity. Review status: criteria provided, conflicting classifications (1 of 4 stars). 2 submissions from 2 submitters: Uncertain significance (1); Likely benign (1). Last evaluated 2021-07-04.

Conditions:
Early-infantile DEE. Also called: Ohtahara syndrome; Early infantile epileptic encephalopathy; Early infantile epileptic encephalopathy with suppression bursts. Identifiers: Orphanet 1934, MedGen C0393706, MONDO:0800491.

Submissions (2):

Labcorp Genetics (formerly Invitae), Labcorp
Classification: Uncertain significance for Early-infantile DEE. Last evaluated: 2021-07-04. Review status: criteria provided, single submitter. Criteria: Invitae Variant Classification Sherloc (09022015). Collection method: clinical testing. Allele origin: germline.
Comment: In summary, the available evidence is currently insufficient to determine the role of this variant in disease. Therefore, it has been classified as a Variant of Uncertain Significance. Algorithms developed to predict the effect of missense changes on protein structure and function are either unavailable or do not agree on the potential impact of this missense change (SIFT: "Deleterious"; PolyPhen-2: "Probably Damaging"; Align-GVGD: "Class C0"). ClinVar contains an entry for this variant (Variation ID: 212135). This variant has been observed in individual(s) with clinical features of SCN8A-related conditions (PMID: 27875746). This variant is not present in population databases (ExAC no frequency). This sequence change replaces isoleucine with valine at codon 68 of the SCN8A protein (p.Ile68Val). The isoleucine residue is moderately conserved and there is a small physicochemical difference between isoleucine and valine.

Genetic Services Laboratory, University of Chicago
Classification: Likely benign. Last evaluated: 2014-12-24. Review status: criteria provided, single submitter. Criteria: ACMG Guidelines, 2015. Collection method: clinical testing. Allele origin: germline.

Literature cited by the submitters: PubMed 27875746 (cited by Labcorp Genetics (formerly Invitae), Labcorp).